The following is an entry in ClinVar:

ClinVar aggregate classification (germline): Likely benign (1 of 4 stars; one submission).

Allele frequency attached by ClinVar (database versions not stated): gnomAD 0.00003; TOPMed 0.00008.

Submission:

CeGaT Center for Human Genetics Tuebingen
Classification: Likely benign. Last evaluated: 2022-08-01. Review status: criteria provided, single submitter. Criteria: CeGaT Center For Human Genetics Tuebingen Variant Classification Criteria Version 2. Collection method: clinical testing. Allele origin: germline. Affected: yes. Observed: 1 variant allele.
Comment: AFF2: BP4, BS2

NM_002025.4(AFF2):c.2935G>C (p.Ala979Pro)

Gene: AFF2 (ALF transcription elongation factor 2; plus strand). Cytogenetic location: Xq28.
Variant type: single nucleotide variant.
Coding change: c.2935G>C on transcript NM_002025.4 (MANE Select); coding-DNA position 2935, G replaced by C.
Protein change: p.Ala979Pro; replaces alanine 979 with proline.
Molecular consequence: missense variant.
Genome position (GRCh38, 1-based): chrX:148,966,811, G>C. VCF-style: chrX-148966811-G-C. GRCh37 (hg19) VCF-style: chrX-148048341-G-C.
Other names: c.2830G>C, p.Ala944Pro (NM_001169122.2, NM_001169124.2); c.2905G>C, p.Ala969Pro (NM_001169123.2); c.2818G>C, p.Ala940Pro (NM_001169125.2); c.1858G>C, p.Ala620Pro (NM_001170628.1); short protein forms A620P, A940P, A944P, A969P, A979P.
Identifiers: ClinVar variation 2661612 (VCV002661612.24), dbSNP rs782537049, ClinGen allele CA10537225.
Genomic context (GRCh38, chrX:148,966,811, plus strand): 5'-CTGGACCTAATGGAAACTATTTGTCCTCCTTTTTCCCAGGAGGGAGACACTCCAAAAAAG[G>C]CATCCTCTGCCACCATCACTGTCACCAATACTGCTATTGCCACTGCTACTGTCACTGCTA-3'
Protein context (NP_002016.2, residues 969-989): SVNEGDTPKK[Ala979Pro]SSATITVTNT